The following is an entry in ClinVar:

ClinVar aggregate classification (germline): Uncertain significance (1 of 4 stars; one submission).

Allele frequency attached by ClinVar (database versions not stated): ExAC 0.00001; TOPMed 0.00001; gnomAD 0.00003.
gnomAD v4.1: 4 of 1,614,026 alleles (0.00025%); highest among the groups gnomAD compares: Admixed American, 0.005%; no homozygotes.

Submission:

Labcorp Genetics (formerly Invitae), Labcorp
Classification: Uncertain significance. Last evaluated: 2022-03-09. Review status: criteria provided, single submitter. Criteria: Invitae Variant Classification Sherloc (09022015). Collection method: clinical testing. Allele origin: germline.
Comment: This sequence change replaces glycine, which is neutral and non-polar, with aspartic acid, which is acidic and polar, at codon 505 of the ABCC6 protein (p.Gly505Asp). In summary, the available evidence is currently insufficient to determine the role of this variant in disease. Therefore, it has been classified as a Variant of Uncertain Significance. Advanced modeling of protein sequence and biophysical properties (such as structural, functional, and spatial information, amino acid conservation, physicochemical variation, residue mobility, and thermodynamic stability) performed at Invitae indicates that this missense variant is expected to disrupt ABCC6 protein function. This variant has not been reported in the literature in individuals affected with ABCC6-related conditions. This variant is present in population databases (rs747009873, gnomAD 0.003%).

NM_001171.6(ABCC6):c.1514G>A (p.Gly505Asp)

Gene: ABCC6 (ATP binding cassette subfamily C member 6; minus strand). Cytogenetic location: 16p13.11.
Variant type: single nucleotide variant.
Coding change: c.1514G>A on transcript NM_001171.6 (MANE Select); coding-DNA position 1514, G replaced by A.
Protein change: p.Gly505Asp; replaces glycine 505 with aspartic acid.
Molecular consequence: missense variant. On other transcripts: non-coding transcript variant (1).
Genome position (GRCh38, 1-based): chr16:16,190,285, C>T on the plus strand (G>A on the coding strand, the complement: ABCC6 is on the minus strand). VCF-style: chr16-16190285-C-T. GRCh37 (hg19) VCF-style: chr16-16284142-C-T.
Other names: c.1172G>A, p.Gly391Asp (NM_001351800.1); short protein forms G505D, G391D.
Identifiers: ClinVar variation 2039301 (VCV002039301.4), dbSNP rs747009873, ClinGen allele CA7926280.